The following is an entry in ClinVar:

NM_001006630.2(CHRM2):c.412A>G (p.Lys138Glu)

Genes: CHRM2 (cholinergic receptor muscarinic 2; plus strand), LOC349160 (uncharacterized LOC349160; minus strand). Cytogenetic location: 7q33.
Variant type: single nucleotide variant.
Coding change: c.412A>G on transcript NM_001006630.2 (MANE Select); coding-DNA position 412, A replaced by G.
Protein change: p.Lys138Glu; replaces lysine 138 with glutamic acid.
Molecular consequence: missense variant.
Genome position (GRCh38, 1-based): chr7:137,015,277, A>G. VCF-style: chr7-137015277-A-G. GRCh37 (hg19) VCF-style: chr7-136700024-A-G.
Other names: c.412A>G, p.Lys138Glu (NM_000739.3, NM_001006626.3, NM_001006627.3 and 6 more transcripts); short protein forms K138E.
Identifiers: ClinVar variation 4785269 (VCV004785269.1).

ClinVar aggregate classification (germline): Uncertain significance (1 of 4 stars; one submission).

gnomAD v4.1: 7 of 1,613,368 alleles (0.00043%); highest among the groups gnomAD compares: Non-Finnish European, 0.00059%; no homozygotes.

Submission:

Labcorp Genetics (formerly Invitae), Labcorp
Classification: Uncertain significance. Last evaluated: 2025-06-15. Review status: criteria provided, single submitter. Criteria: Invitae Variant Classification Sherloc (09022015). Collection method: clinical testing. Allele origin: germline.
Comment: This sequence change replaces lysine, which is basic and polar, with glutamic acid, which is acidic and polar, at codon 138 of the CHRM2 protein (p.Lys138Glu). This variant is not present in population databases (gnomAD no frequency). This variant has not been reported in the literature in individuals affected with CHRM2-related conditions. An algorithm developed to predict the effect of missense changes on protein structure and function (PolyPhen-2) suggests that this variant is likely to be disruptive. In summary, the available evidence is currently insufficient to determine the role of this variant in disease. Therefore, it has been classified as a Variant of Uncertain Significance.